The following is an entry in ClinVar:

ClinVar aggregate classification (germline): Likely benign (1 of 4 stars; one submission).

gnomAD v4.1: 30 of 1,497,554 alleles (0.002%); highest among the groups gnomAD compares: Admixed American, 0.013%; no homozygotes.

Submission:

CeGaT Center for Human Genetics Tuebingen
Classification: Likely benign. Last evaluated: 2025-12-01. Review status: criteria provided, single submitter. Criteria: CeGaT Center For Human Genetics Tuebingen Variant Classification Criteria Version 2. Collection method: clinical testing. Allele origin: germline. Affected: yes. Observed: 1 variant allele.
Comment: ATP9A: BP4, BP7

NM_006045.3(ATP9A):c.3006C>T (p.Ile1002=)

Gene: ATP9A (ATPase phospholipid transporting 9A; minus strand). Cytogenetic location: 20q13.2.
Variant type: single nucleotide variant.
Coding change: c.3006C>T on transcript NM_006045.3 (MANE Select); coding-DNA position 3006, C replaced by T.
Protein change: p.Ile1002=; no amino-acid change (isoleucine 1002 retained).
Molecular consequence: synonymous variant.
Genome position (GRCh38, 1-based): chr20:51,604,818, G>A on the plus strand (C>T on the coding strand, the complement: ATP9A is on the minus strand). VCF-style: chr20-51604818-G-A. GRCh37 (hg19) VCF-style: chr20-50221357-G-A.
Identifiers: ClinVar variation 4681947 (VCV004681947.5).
Genomic context (GRCh38, chr20:51,604,818, plus strand): 5'-ACCTCTGGGCCAGATTCACTGGGGGTGACGGACGGGGTTTAAGCATTCAGGGGTCTTACC[G>A]ATGAACTCGTGTAAGAACACCAGGGAGGCGATGTAGCAGGCCAGGCTGAGCAGCTCCGCC-3'
Protein context (NP_006036.1, residues 992-1012): IASLVFLHEF[Ile1002=]DVYFIATLSF